The following is an entry in ClinVar:

NM_005677.4(COLQ):c.1279T>C (p.Cys427Arg)

Gene: COLQ (collagen like tail subunit of asymmetric acetylcholinesterase; minus strand). Cytogenetic location: 3p25.1.
Variant type: single nucleotide variant.
Coding change: c.1279T>C on transcript NM_005677.4 (MANE Select); coding-DNA position 1279, T replaced by C.
Protein change: p.Cys427Arg; replaces cysteine 427 with arginine.
Molecular consequence: missense variant.
Genome position (GRCh38, 1-based): chr3:15,453,848, A>G on the plus strand (T>C on the coding strand, the complement: COLQ is on the minus strand). VCF-style: chr3-15453848-A-G. GRCh37 (hg19) VCF-style: chr3-15495355-A-G.
Other names: c.1249T>C, p.Cys417Arg (NM_080538.2); c.1177T>C, p.Cys393Arg (NM_080539.4); short protein forms C427R, C393R, C417R.
Identifiers: ClinVar variation 422529 (VCV000422529.2), dbSNP rs1064795839, ClinGen allele CA16617837.

ClinVar aggregate classification (germline): Likely pathogenic (1 of 4 stars; one submission).

Allele frequency attached by ClinVar (database versions not stated): gnomAD exomes below 0.00001.
gnomAD v4.1: 1 of 1,611,546 alleles (0.000062%); highest among the groups gnomAD compares: Non-Finnish European, 0.000085%; no homozygotes.

Submission:

GeneDx
Classification: Likely pathogenic. Last evaluated: 2016-10-27. Review status: criteria provided, single submitter. Criteria: GeneDx Variant Classification (06012015). Collection method: clinical testing. Allele origin: germline. Affected: yes.
Comment: The C427R variant in the COLQ gene has not been reported previously as a pathogenic variant, nor as a benign variant, to our knowledge. The C427R variant was not observed in approximately 6,500 individuals of European and African American ancestry in the NHLBI Exome Sequencing Project, indicating it is not a common benign variant in these populations. The C427R variant is a non-conservative amino acid substitution, which is likely to impact secondary protein structure as these residues differ in polarity, charge, size and/or other properties. This substitution occurs at a position that is conserved across species. In silico analysis predicts this variant is probably damaging to the protein structure/function. Therefore, we interpret C427R as a likely pathogenic variant.